The following is an entry in ClinVar:

ClinVar aggregate classification (germline): Uncertain significance. Review status: criteria provided, multiple submitters, no conflicts (2 of 4 stars). 2 submissions from 2 submitters: Uncertain significance (2). Last evaluated 2026-02-11.

Conditions:
Hereditary cancer-predisposing syndrome. Also called: Neoplastic Syndromes, Hereditary; Hereditary Cancer Syndrome; Hereditary neoplastic syndrome; Tumor predisposition. Identifiers: Orphanet 140162, MedGen C0027672, MeSH D009386, MONDO:0015356.
Rhabdoid tumor predisposition syndrome 2 (RTPS2). Identifiers: Orphanet 231108, Orphanet 69077, MedGen C2750074, MONDO:0013224, OMIM 613325.

Submissions (2):

Ambry Genetics
Classification: Uncertain significance for Hereditary cancer-predisposing syndrome. Last evaluated: 2026-02-11. Review status: criteria provided, single submitter. Criteria: Ambry Variant Classification Scheme 2023. Collection method: clinical testing. Allele origin: germline.
Comment: The p.A737T variant (also known as c.2209G>A), located in coding exon 14 of the SMARCA4 gene, results from a G to A substitution at nucleotide position 2209. The alanine at codon 737 is replaced by threonine, an amino acid with similar properties. This amino acid position is highly conserved in available vertebrate species. In addition, this alteration is predicted to be deleterious by in silico analysis. Based on the available evidence, the clinical significance of this variant remains unclear.

Labcorp Genetics (formerly Invitae), Labcorp
Classification: Uncertain significance for Rhabdoid tumor predisposition syndrome 2. Last evaluated: 2025-07-21. Review status: criteria provided, single submitter. Criteria: Invitae Variant Classification Sherloc (09022015). Collection method: clinical testing. Allele origin: germline.
Comment: This sequence change replaces alanine, which is neutral and non-polar, with threonine, which is neutral and polar, at codon 737 of the SMARCA4 protein (p.Ala737Thr). This variant is not present in population databases (gnomAD no frequency). This variant has not been reported in the literature in individuals affected with SMARCA4-related conditions. ClinVar contains an entry for this variant (Variation ID: 3609211). Invitae Evidence Modeling of protein sequence and biophysical properties (such as structural, functional, and spatial information, amino acid conservation, physicochemical variation, residue mobility, and thermodynamic stability) indicates that this missense variant is not expected to disrupt SMARCA4 protein function with a negative predictive value of 95%. In summary, the available evidence is currently insufficient to determine the role of this variant in disease. Therefore, it has been classified as a Variant of Uncertain Significance.

NM_003072.5(SMARCA4):c.2209G>A (p.Ala737Thr)

Gene: SMARCA4 (SWI/SNF related BAF chromatin remodeling complex subunit ATPase 4; plus strand). Cytogenetic location: 19p13.2.
Variant type: single nucleotide variant.
Coding change: c.2209G>A on transcript NM_003072.5 (MANE Select); coding-DNA position 2209, G replaced by A.
Protein change: p.Ala737Thr; replaces alanine 737 with threonine.
Molecular consequence: missense variant. On other transcripts: non-coding transcript variant (1).
Genome position (GRCh38, 1-based): chr19:11,010,466, G>A. VCF-style: chr19-11010466-G-A. GRCh37 (hg19) VCF-style: chr19-11121142-G-A.
Other names: c.2209G>A, p.Ala737Thr (NM_001128844.3, NM_001128845.2, NM_001128846.2 and 6 more transcripts); c.2209G>A (NM_001128849.1); short protein forms A737T.
Identifiers: ClinVar variation 3609211 (VCV003609211.3).
Genomic context (GRCh38, chr19:11,010,466, plus strand): 5'-GAATATGGCGTGTCCCAGGCCCTTGCACGTGGCCTGCAGTCCTACTATGCCGTGGCCCAT[G>A]CTGTCACTGAGAGAGTGGACAAGCAGTCAGCGCTTATGGTCAATGGTGTCCTCAAACAGT-3'
Protein context (NP_003063.2, residues 727-747): GLQSYYAVAH[Ala737Thr]VTERVDKQSA